The following is an entry in ClinVar:

ClinVar aggregate classification (germline): Uncertain significance (1 of 4 stars; one submission).

Submission:

GeneDx
Classification: Uncertain significance. Last evaluated: 2022-07-12. Review status: criteria provided, single submitter. Criteria: GeneDx Variant Classification Process June 2021. Collection method: clinical testing. Allele origin: germline. Affected: yes.
Comment: Not observed at significant frequency in large population cohorts (gnomAD); In silico analysis supports that this missense variant has a deleterious effect on protein structure/function; Has not been previously published as pathogenic or benign to our knowledge

NM_001112741.2(KCNC1):c.934G>T (p.Val312Phe)

Gene: KCNC1 (potassium voltage-gated channel subfamily C member 1; plus strand). Cytogenetic location: 11p15.1.
Variant type: single nucleotide variant.
Coding change: c.934G>T on transcript NM_001112741.2 (MANE Select); coding-DNA position 934, G replaced by T.
Protein change: p.Val312Phe; replaces valine 312 with phenylalanine.
Molecular consequence: missense variant.
Genome position (GRCh38, 1-based): chr11:17,772,028, G>T. VCF-style: chr11-17772028-G-T. GRCh37 (hg19) VCF-style: chr11-17793575-G-T.
Other names: c.934G>T, p.Val312Phe (NM_004976.4); short protein forms V312F.
Identifiers: ClinVar variation 1878776 (VCV001878776.1), dbSNP rs1849235767, ClinGen allele CA379807168.
Genomic context (GRCh38, chr11:17,772,028, plus strand): 5'-GAGGTGGGGCTGAGCGGCCTGTCCTCCAAGGCAGCCAAGGACGTGCTGGGCTTCCTGCGC[G>T]TCGTCCGCTTCGTGCGCATCTTGCGCATCTTTAAGCTGACCCGCCACTTTGTGGGCCTGC-3'
Protein context (NP_001106212.1, residues 302-322): AAKDVLGFLR[Val312Phe]VRFVRILRIF